The following is an entry in ClinVar:

ClinVar aggregate classification (germline): Uncertain significance (1 of 4 stars; one submission).

Conditions:
Aicardi-Goutieres syndrome 6 (AGS6). Identifiers: Orphanet 51, MedGen C3539013, MONDO:0014007, OMIM 615010.
Symmetrical dyschromatosis of extremities (DSH). Also called: DYSCHROMATOSIS SYMMETRICA HEREDITARIA 1; RETICULATE ACROPIGMENTATION OF DOHI; SYMMETRIC DYSCHROMATOSIS OF THE EXTREMITIES; Dyschromatosis symmetrica hereditaria. Identifiers: Orphanet 41, MedGen C0406775, MONDO:0007483, OMIM 127400.

Submission:

Labcorp Genetics (formerly Invitae), Labcorp
Classification: Uncertain significance for Aicardi-Goutieres syndrome 6; Symmetrical dyschromatosis of extremities. Last evaluated: 2022-06-13. Review status: criteria provided, single submitter. Criteria: Invitae Variant Classification Sherloc (09022015). Collection method: clinical testing. Allele origin: germline.
Comment: This variant is not present in population databases (gnomAD no frequency). In summary, the available evidence is currently insufficient to determine the role of this variant in disease. Therefore, it has been classified as a Variant of Uncertain Significance. Algorithms developed to predict the effect of missense changes on protein structure and function (SIFT, PolyPhen-2, Align-GVGD) all suggest that this variant is likely to be tolerated. This variant has not been reported in the literature in individuals affected with ADAR-related conditions. This sequence change replaces glutamic acid, which is acidic and polar, with lysine, which is basic and polar, at codon 592 of the ADAR protein (p.Glu592Lys).

NM_001111.5(ADAR):c.1774G>A (p.Glu592Lys)

Gene: ADAR (adenosine deaminase RNA specific; minus strand). Cytogenetic location: 1q21.3.
Variant type: single nucleotide variant.
Coding change: c.1774G>A on transcript NM_001111.5 (MANE Select); coding-DNA position 1774, G replaced by A.
Protein change: p.Glu592Lys; replaces glutamic acid 592 with lysine.
Molecular consequence: missense variant.
Genome position (GRCh38, 1-based): chr1:154,598,413, C>T on the plus strand (G>A on the coding strand, the complement: ADAR is on the minus strand). VCF-style: chr1-154598413-C-T. GRCh37 (hg19) VCF-style: chr1-154570889-C-T.
Other names: c.889G>A, p.Glu297Lys (NM_001025107.3, NM_001193495.2, NM_001365046.1 and 3 more transcripts); c.1801G>A, p.Glu601Lys (NM_001365045.1); c.1774G>A, p.Glu592Lys (NM_015840.4, NM_015841.4); short protein forms E592K, E297K, E601K.
Identifiers: ClinVar variation 1968254 (VCV001968254.5), dbSNP rs2526611939, ClinGen allele CA342639184.